The following is an entry in ClinVar:

NM_001083614.2(EARS2):c.874G>T (p.Val292Phe)

Gene: EARS2 (glutamyl-tRNA synthetase 2, mitochondrial; minus strand). Cytogenetic location: 16p12.2.
Variant type: single nucleotide variant.
Coding change: c.874G>T on transcript NM_001083614.2 (MANE Select); coding-DNA position 874, G replaced by T.
Protein change: p.Val292Phe; replaces valine 292 with phenylalanine.
Molecular consequence: missense variant. On other transcripts: non-coding transcript variant (1).
Genome position (GRCh38, 1-based): chr16:23,534,972, C>A on the plus strand (G>T on the coding strand, the complement: EARS2 is on the minus strand). VCF-style: chr16-23534972-C-A. GRCh37 (hg19) VCF-style: chr16-23546293-C-A.
Other names: c.874G>T, p.Val292Phe (NM_001308211.1, NM_133451.1); short protein forms V292F.
Identifiers: ClinVar variation 1958756 (VCV001958756.3), dbSNP rs199575087, ClinGen allele CA395132868.

ClinVar aggregate classification (germline): Uncertain significance (1 of 4 stars; one submission).

gnomAD v4.1: 5 of 1,611,516 alleles (0.00031%); highest among the groups gnomAD compares: Admixed American, 0.0084%; no homozygotes.

Submission:

Labcorp Genetics (formerly Invitae), Labcorp
Classification: Uncertain significance. Last evaluated: 2022-04-18. Review status: criteria provided, single submitter. Criteria: Invitae Variant Classification Sherloc (09022015). Collection method: clinical testing. Allele origin: germline.
Comment: This sequence change replaces valine, which is neutral and non-polar, with phenylalanine, which is neutral and non-polar, at codon 292 of the EARS2 protein (p.Val292Phe). This variant is present in population databases (no rsID available, gnomAD 0.01%). This variant has not been reported in the literature in individuals affected with EARS2-related conditions. Algorithms developed to predict the effect of missense changes on protein structure and function are either unavailable or do not agree on the potential impact of this missense change (SIFT: "Deleterious"; PolyPhen-2: "Benign"; Align-GVGD: "Class C0"). In summary, the available evidence is currently insufficient to determine the role of this variant in disease. Therefore, it has been classified as a Variant of Uncertain Significance.